The following is an entry in ClinVar:

ClinVar aggregate classification (germline): Likely benign (0 of 4 stars; one submission).

Conditions:
UBR4-related disorder. Also called: UBR4-related condition.

gnomAD v4.1: 139 of 1,613,966 alleles (0.0086%); highest among the groups gnomAD compares: African/African-American, 0.1%; no homozygotes.

Submission:

PreventionGenetics, part of Exact Sciences
Classification: Likely benign for UBR4-related condition. Last evaluated: 2024-03-07. Review status: no assertion criteria provided. Collection method: clinical testing. Allele origin: germline.
Comment: This variant is classified as likely benign based on ACMG/AMP sequence variant interpretation guidelines (Richards et al. 2015 PMID: 25741868, with internal and published modifications).

NM_020765.3(UBR4):c.12690C>T (p.Thr4230=)

Gene: UBR4 (ubiquitin protein ligase E3 component n-recognin 4; minus strand). Cytogenetic location: 1p36.13.
Variant type: single nucleotide variant.
Coding change: c.12690C>T on transcript NM_020765.3 (MANE Select); coding-DNA position 12690, C replaced by T.
Protein change: p.Thr4230=; no amino-acid change (threonine 4230 retained).
Molecular consequence: synonymous variant.
Genome position (GRCh38, 1-based): chr1:19,104,622, G>A on the plus strand (C>T on the coding strand, the complement: UBR4 is on the minus strand). VCF-style: chr1-19104622-G-A. GRCh37 (hg19) VCF-style: chr1-19431116-G-A.
Identifiers: ClinVar variation 3345254 (VCV003345254.1).